The following is an entry in ClinVar:

NM_017827.4(SARS2):c.634C>G (p.Leu212Val)

Gene: SARS2 (seryl-tRNA synthetase 2, mitochondrial; minus strand). Cytogenetic location: 19q13.2.
Variant type: single nucleotide variant.
Coding change: c.634C>G on transcript NM_017827.4 (MANE Select); coding-DNA position 634, C replaced by G.
Protein change: p.Leu212Val; replaces leucine 212 with valine.
Molecular consequence: missense variant.
Genome position (GRCh38, 1-based): chr19:38,920,105, G>C on the plus strand (C>G on the coding strand, the complement: SARS2 is on the minus strand). VCF-style: chr19-38920105-G-C. GRCh37 (hg19) VCF-style: chr19-39410745-G-C.
Other names: p.L212V:CTC>GTC; c.640C>G, p.Leu214Val (NM_001145901.2); short protein forms L212V, L214V.
Identifiers: ClinVar variation 215116 (VCV000215116.2), dbSNP rs863224196, ClinGen allele CA321003.

ClinVar aggregate classification (germline): Uncertain significance (1 of 4 stars; one submission).

Submission:

GeneDx
Classification: Uncertain significance. Last evaluated: 2015-02-02. Review status: criteria provided, single submitter. Criteria: GeneDx Variant Classification (06012015). Collection method: clinical testing. Allele origin: germline. Affected: yes.
Comment: p.Leu212Val (CTC>GTC): c.634 C>G in exon 6 of the SARS2 gene (NM_017827.3) A variant of unknown significance has been identified in the SARS2 gene. The L212V variant has not been published as a mutation, nor has it been reported as a benign polymorphism to our knowledge. The L212V variant is a conservative amino acid substitution, which is not likely to impact secondary protein structure as these residues share similar properties. This substitution occurs at a position that is conserved across species. In silico analysis is inconsistent in its predictions as to whether or not the variant is damaging to the protein structure/function. Therefore, based on the currently available information, it is unclear whether this variant is a pathogenic mutation or a rare benign variant. The variant is found in MITONUC-MITOP panel(s).